The following is an entry in ClinVar:

NM_000115.5(EDNRB):c.-205G>A

Gene: EDNRB (endothelin receptor type B; minus strand). Cytogenetic location: 13q22.3.
Variant type: single nucleotide variant.
Coding change: c.-205G>A on transcript NM_000115.5; 205 bases upstream of the start codon, G replaced by A.
Molecular consequence: 5 prime UTR variant.
Genome position (GRCh38, 1-based): chr13:77,975,500, C>T on the plus strand (G>A on the coding strand, the complement: EDNRB is on the minus strand). VCF-style: chr13-77975500-C-T. GRCh37 (hg19) VCF-style: chr13-78549635-C-T.
Identifiers: ClinVar variation 880916 (VCV000880916.6), dbSNP rs12720104, ClinGen allele CA253056845.

ClinVar aggregate classification (germline): Likely benign (1 of 4 stars; one submission).

Conditions:
Hirschsprung disease, susceptibility to, 2. Identifiers: Orphanet 388, MedGen C1838564, MONDO:0010833, OMIM 600155.

Allele frequency attached by ClinVar (database versions not stated): gnomAD 0.01434 and 0.01445; 1000 Genomes Project 0.01458; TOPMed 0.00950; 1000 Genomes Project 30x 0.01359; gnomAD exomes 0.03636.
gnomAD v4.1: 2,192 of 152,486 alleles (1.4%); highest among the groups gnomAD compares: East Asian, 2.5%; 45 homozygotes.

Submission:

Illumina Laboratory Services, Illumina
Classification: Likely benign for Hirschsprung disease, susceptibility to, 2. Last evaluated: 2018-01-13. Review status: criteria provided, single submitter. Criteria: ICSL Variant Classification Criteria 13 December 2019. Collection method: clinical testing. Allele origin: germline.
Comment: This variant was observed in the ICSL laboratory as part of a predisposition screen in an ostensibly healthy population. It had not been previously curated by ICSL or reported in the Human Gene Mutation Database (HGMD: prior to June 1st, 2018), and was therefore a candidate for classification through an automated scoring system. Utilizing variant allele frequency, disease prevalence and penetrance estimates, and inheritance mode, an automated score was calculated to assess if this variant is too frequent to cause the disease. Based on the score and internal cut-off values, a variant classified as likely benign is not then subjected to further curation. The score for this variant resulted in a classification of likely benign for this disease.